The following is an entry in ClinVar:

ClinVar aggregate classification (germline): Uncertain significance (1 of 4 stars; one submission).

Conditions:
Inborn genetic diseases. Identifiers: MedGen C0950123, MeSH D030342.

gnomAD v4.1: 1 of 1,614,232 alleles (0.000062%); highest among the groups gnomAD compares: Non-Finnish European, 0.000085%; no homozygotes.

Submission:

Ambry Genetics
Classification: Uncertain significance for Inborn genetic diseases. Last evaluated: 2026-05-02. Review status: criteria provided, single submitter. Criteria: Ambry Variant Classification Scheme 2023. Collection method: clinical testing. Allele origin: germline.
Comment: The p.H1046Q variant (also known as c.3138C>G), located in coding exon 32 of the FANCA gene, results from a C to G substitution at nucleotide position 3138. The histidine at codon 1046 is replaced by glutamine, an amino acid with highly similar properties. This amino acid position is conserved. In addition, the in silico prediction for this alteration is inconclusive. Based on the available evidence, the clinical significance of this variant remains unclear.

NM_000135.4(FANCA):c.3138C>G (p.His1046Gln)

Gene: FANCA (FA complementation group A; minus strand). Cytogenetic location: 16q24.3.
Variant type: single nucleotide variant.
Coding change: c.3138C>G on transcript NM_000135.4 (MANE Select); coding-DNA position 3138, C replaced by G.
Protein change: p.His1046Gln; replaces histidine 1046 with glutamine.
Molecular consequence: missense variant.
Genome position (GRCh38, 1-based): chr16:89,749,831, G>C on the plus strand (C>G on the coding strand, the complement: FANCA is on the minus strand). VCF-style: chr16-89749831-G-C. GRCh37 (hg19) VCF-style: chr16-89816239-G-C.
Other names: c.3138C>G, p.His1046Gln (NM_001286167.3); short protein forms H1046Q.
Identifiers: ClinVar variation 4870859 (VCV004870859.1).